The following is an entry in ClinVar:

ClinVar aggregate classification (germline): Uncertain significance. Review status: criteria provided, single submitter (1 of 4 stars). 2 submissions from 2 submitters: Uncertain significance (1). 1 of the submissions does not count toward it.

Conditions:
Diabetes mellitus, permanent neonatal 4. Also called: INS-Related Permanent Neonatal Diabetes Mellitus. Identifiers: MedGen C5394307, MONDO:0030089, OMIM 618858.
Permanent neonatal diabetes mellitus (PNDM). Identifiers: Orphanet 99885, MedGen C1833104, MONDO:0100164, MONDO:0011643. Disease mechanism: gain of function.

Submissions (2):

Clinical Genomics, Uppaluri K&H Personalized Medicine Clinic
Classification: Uncertain significance for Diabetes mellitus, permanent neonatal 4. Review status: criteria provided, single submitter. Criteria: K &amp; H Uppaluri Personalized Medicine Clinic Variant Classification &amp; Assertion Criteria_Updated V.1. Collection method: research. Allele origin: unknown. Inheritance: Autosomal dominant inheritance.
Comment: Potent mutations in the INS gene can cause early onset diabetes mellitus which is insulin dependent. May have poor response to sulfonylureas, mutations in this gene can cause beta cell destruction.However, more evidence is required to confer the association of this particular variant c.3G > A/rs397515521 with Permanent neonatal diabetes mellitus(PNDM).

GeneReviews
No classification provided. Condition: Permanent neonatal diabetes mellitus. Review status: no classification provided. Collection method: literature only. Allele origin: unknown. Not counted in ClinVar's aggregate classification.

Literature cited by the submitters: PubMed 34584998 (cited by Clinical Genomics, Uppaluri K&H Personalized Medicine Clinic); PubMed 20938745 (cited by GeneReviews); PubMed 20301620 (cited by GeneReviews); NCBI Bookshelf NBK1447 (cited by GeneReviews).

NM_000207.3(INS):c.3G>A (p.Met1Ile)

Genes: INS (insulin; minus strand), INS-IGF2 (INS-IGF2 readthrough; minus strand). Cytogenetic location: 11p15.5.
Variant type: single nucleotide variant.
Coding change: c.3G>A on transcript NM_000207.3 (MANE Select); coding-DNA position 3, G replaced by A.
Protein change: p.Met1Ile; changes the start codon (methionine 1).
Molecular consequence: missense variant, initiator codon variant. On other transcripts: non-coding transcript variant (1).
Genome position (GRCh38, 1-based): chr11:2,160,969, C>T on the plus strand (G>A on the coding strand, the complement: INS is on the minus strand). VCF-style: chr11-2160969-C-T. GRCh37 (hg19) VCF-style: chr11-2182199-C-T.
Other names: c.3G>A, p.Met1Ile (NM_001185097.2, NM_001185098.2, NM_001291897.2 and 1 more transcripts); short protein forms M1I.
Identifiers: ClinVar variation 65587 (VCV000065587.5), dbSNP rs397515521, ClinGen allele CA344913.